The following is an entry in ClinVar:

ClinVar aggregate classification (germline): Conflicting classifications of pathogenicity. Review status: criteria provided, conflicting classifications (1 of 4 stars). 3 submissions from 3 submitters: Uncertain significance (2); Benign (1). Last evaluated 2025-12-08.

Conditions:
JAG1-related disorder. Also called: JAG1-related condition; JAG1-related disorders.
Cardiovascular phenotype. Identifiers: MedGen CN230736.
Alagille syndrome due to a JAG1 point mutation. Also called: JAG1-Related Alagille Syndrome; HEPATIC DUCTULAR HYPOPLASIA, SYNDROMATIC; Alagille Syndrome 1. Identifiers: Orphanet 261619, Orphanet 52, MedGen C1956125, MONDO:0016862, OMIM 118450.

Allele frequency attached by ClinVar (database versions not stated): gnomAD exomes below 0.00001; gnomAD 0.00003; TOPMed 0.00003; ESP Exome Variant Server 0.00008.
gnomAD v4.1: 7 of 1,614,108 alleles (0.00043%); highest among the groups gnomAD compares: African/African-American, 0.0093%; no homozygotes.

Submissions (3):

PreventionGenetics, part of Exact Sciences
Classification: Uncertain significance for JAG1-related condition. Last evaluated: 2025-12-08. Review status: criteria provided, single submitter. Criteria: ACMG Guidelines, 2015. Collection method: clinical testing. Allele origin: germline.
Comment: The JAG1 c.1438G>T variant is predicted to result in the amino acid substitution p.Ala480Ser. To our knowledge, this variant has not been reported in the literature. This variant is reported in 0.012% of alleles in individuals of African descent in gnomAD. At this time, the clinical significance of this variant is uncertain due to the absence of conclusive functional and genetic evidence.

Labcorp Genetics (formerly Invitae), Labcorp
Classification: Benign for Alagille syndrome due to a JAG1 point mutation. Last evaluated: 2022-09-06. Review status: criteria provided, single submitter. Criteria: Invitae Variant Classification Sherloc (09022015). Collection method: clinical testing. Allele origin: germline.

Ambry Genetics
Classification: Uncertain significance for Cardiovascular phenotype. Last evaluated: 2021-09-14. Review status: criteria provided, single submitter. Criteria: Ambry Variant Classification Scheme 2023. Collection method: clinical testing. Allele origin: germline.
Comment: The p.A480S variant (also known as c.1438G>T), located in coding exon 12 of the JAG1 gene, results from a G to T substitution at nucleotide position 1438. The alanine at codon 480 is replaced by serine, an amino acid with similar properties. This amino acid position is conserved. In addition, this alteration is predicted to be tolerated by in silico analysis. Since supporting evidence is limited at this time, the clinical significance of this alteration remains unclear.

NM_000214.3(JAG1):c.1438G>T (p.Ala480Ser)

Gene: JAG1 (jagged canonical Notch ligand 1; minus strand). Cytogenetic location: 20p12.2.
Variant type: single nucleotide variant.
Coding change: c.1438G>T on transcript NM_000214.3 (MANE Select); coding-DNA position 1438, G replaced by T.
Protein change: p.Ala480Ser; replaces alanine 480 with serine.
Molecular consequence: missense variant.
Genome position (GRCh38, 1-based): chr20:10,648,680, C>A on the plus strand (G>T on the coding strand, the complement: JAG1 is on the minus strand). VCF-style: chr20-10648680-C-A. GRCh37 (hg19) VCF-style: chr20-10629328-C-A.
Other names: short protein forms A480S.
Identifiers: ClinVar variation 1772654 (VCV001772654.9), dbSNP rs144557870, ClinGen allele CA311347258.
Genomic context (GRCh38, chr20:10,648,680, plus strand): 5'-CCCCATTCAAACAGGGGTTGCTGGCACATTCATCGATGTCTCTCTCACAGTGATCGCCTG[C>A]ATAGCCAGGTGGACAGATACAGCGATAACCATTAACCAAATCCTAGAAGAGGAGAAGGGG-3'
Protein context (NP_000205.1, residues 470-490): GYRCICPPGY[Ala480Ser]GDHCERDIDE